The following is an entry in ClinVar:

ClinVar aggregate classification (germline): Uncertain significance (1 of 4 stars; one submission).

Conditions:
Axenfeld-Rieger syndrome type 3 (RIEG3). Also called: AXENFELD-RIEGER ANOMALY WITH CARDIAC DEFECTS AND/OR SENSORINEURAL HEARING LOSS. Identifiers: Orphanet 782, MedGen C2678503, MONDO:0011233, OMIM 602482.

gnomAD v4.1: 11 of 1,583,142 alleles (0.00069%); highest among the groups gnomAD compares: Non-Finnish European, 0.00094%; no homozygotes.

Submission:

Labcorp Genetics (formerly Invitae), Labcorp
Classification: Uncertain significance for Axenfeld-Rieger syndrome type 3. Last evaluated: 2025-04-08. Review status: criteria provided, single submitter. Criteria: Invitae Variant Classification Sherloc (09022015). Collection method: clinical testing. Allele origin: germline.
Comment: This sequence change affects codon 42 of the FOXC1 mRNA. It is a 'silent' change, meaning that it does not change the encoded amino acid sequence of the FOXC1 protein. This variant is present in population databases (no rsID available, gnomAD 0.001%). This variant has not been reported in the literature in individuals affected with FOXC1-related conditions. In summary, the available evidence is currently insufficient to determine the role of this variant in disease. Therefore, it has been classified as a Variant of Uncertain Significance.

NM_001453.3(FOXC1):c.126C>T (p.Ala42=)

Gene: FOXC1 (forkhead box C1; plus strand). Cytogenetic location: 6p25.3.
Variant type: single nucleotide variant.
Coding change: c.126C>T on transcript NM_001453.3 (MANE Select); coding-DNA position 126, C replaced by T.
Protein change: p.Ala42=; no amino-acid change (alanine 42 retained).
Molecular consequence: synonymous variant.
Genome position (GRCh38, 1-based): chr6:1,610,571, C>T. VCF-style: chr6-1610571-C-T. GRCh37 (hg19) VCF-style: chr6-1610806-C-T.
Identifiers: ClinVar variation 4800135 (VCV004800135.1).